The following is an entry in ClinVar:

ClinVar aggregate classification (germline): Pathogenic (1 of 4 stars; one submission).

Conditions:
Hermansky-Pudlak syndrome 1 (HPS1). Also called: DELTA STORAGE POOL DISEASE. Identifiers: Orphanet 231500, Orphanet 79430, MedGen C2931875, MONDO:0008748, OMIM 203300.

Submission:

Myriad Genetics, Inc.
Classification: Pathogenic for Hermansky-Pudlak syndrome 1. Last evaluated: 2026-03-03. Review status: criteria provided, single submitter. Criteria: Myriad Autosomal Dominant, Autosomal Recessive and X-Linked Classification Criteria (2023). Collection method: clinical testing. Allele origin: unknown.
Comment: NM_000195.3(HPS1):c.446delT(F149Sfs*26) is expected to be pathogenic in the context of Hermansky-Pudlak syndrome, HPS1-related. This variant is predicted to lead to an abnormal or absent protein product due to the creation of a premature termination codon in HPS1, a gene where loss-of-function variants are known to be pathogenic. Please note: this variant was assessed in the context of healthy population screening.

NM_000195.5(HPS1):c.446del (p.Phe149fs)

Gene: HPS1 (HPS1 biogenesis of lysosomal organelles complex 3 subunit 1; minus strand). Cytogenetic location: 10q24.2.
Variant type: Deletion.
Coding change: c.446del on transcript NM_000195.5 (MANE Select); coding-DNA position 446, one base deleted (T; older notation c.446delT).
Protein change: p.Phe149fs; shifts the reading frame from phenylalanine 149.
Molecular consequence: frameshift variant. On other transcripts: 5 prime UTR variant (3).
Genome position (GRCh38, 1-based): chr10:98,434,044, A deleted on the plus strand (T on the coding strand, the reverse complement: HPS1 is on the minus strand); the first of 2 consecutive A bases (chr10:98,434,044-98,434,045); deleting either gives the same sequence. VCF-style (leftmost placement, unchanged base first): chr10-98434043-GA-G. GRCh37 (hg19) VCF-style: chr10-100193800-GA-G.
Other names: c.-471del (NM_001311345.2, NM_001322489.2); c.446del, p.Phe149fs (NM_001322476.2, NM_001322477.2, NM_001322478.2 and 5 more transcripts); c.303del, p.Pro102fs (NM_001322480.2, NM_001322481.2, NM_001322482.2); c.77del, p.Phe26fs (NM_001322483.2, NM_001322484.2, NM_001322485.2); c.-570del (NM_001322487.2); short protein forms F149fs, F26fs, P102fs.
Identifiers: ClinVar variation 5015631 (VCV005015631.1).